The following is an entry in ClinVar:

NM_005751.5(AKAP9):c.10151G>A (p.Arg3384Lys)

Gene: AKAP9 (A-kinase anchoring protein 9; plus strand). Cytogenetic location: 7q21.2.
Variant type: single nucleotide variant.
Coding change: c.10151G>A on transcript NM_005751.5 (MANE Select); coding-DNA position 10151, G replaced by A.
Protein change: p.Arg3384Lys; replaces arginine 3384 with lysine.
Molecular consequence: missense variant.
Genome position (GRCh38, 1-based): chr7:92,097,110, G>A. VCF-style: chr7-92097110-G-A. GRCh37 (hg19) VCF-style: chr7-91726424-G-A.
Other names: c.4796G>A, p.Arg1599Lys (NM_001379277.1); c.10127G>A, p.Arg3376Lys (NM_147185.3); short protein forms R1599K, R3384K, R3376K.
Identifiers: ClinVar variation 1740773 (VCV001740773.7), dbSNP rs1488696055, ClinGen allele CA368153996.

ClinVar aggregate classification (germline): Uncertain significance. Review status: criteria provided, multiple submitters, no conflicts (2 of 4 stars). 2 submissions from 2 submitters: Uncertain significance (2). Last evaluated 2022-09-22.

Conditions:
Cardiovascular phenotype. Identifiers: MedGen CN230736.
Long QT syndrome (LQTS). Identifiers: MedGen C0023976, MeSH D008133, MONDO:0002442. Disease mechanism: loss of function. Inheritance: Various modes of inheritance.

Allele frequency attached by ClinVar (database versions not stated): gnomAD 0.00001; gnomAD exomes below 0.00001.
gnomAD v4.1: 8 of 1,614,002 alleles (0.0005%); highest among the groups gnomAD compares: Admixed American, 0.0017%; no homozygotes.

Submissions (2):

Labcorp Genetics (formerly Invitae), Labcorp
Classification: Uncertain significance for Long QT syndrome. Last evaluated: 2022-09-22. Review status: criteria provided, single submitter. Criteria: Invitae Variant Classification Sherloc (09022015). Collection method: clinical testing. Allele origin: germline.
Comment: In summary, the available evidence is currently insufficient to determine the role of this variant in disease. Therefore, it has been classified as a Variant of Uncertain Significance. Algorithms developed to predict the effect of missense changes on protein structure and function are either unavailable or do not agree on the potential impact of this missense change (SIFT: "Tolerated"; PolyPhen-2: "Probably Damaging"; Align-GVGD: "Class C0"). This variant has not been reported in the literature in individuals affected with AKAP9-related conditions. This variant is present in population databases (no rsID available, gnomAD 0.003%). This sequence change replaces arginine, which is basic and polar, with lysine, which is basic and polar, at codon 3384 of the AKAP9 protein (p.Arg3384Lys).

Ambry Genetics
Classification: Uncertain significance for Cardiovascular phenotype. Last evaluated: 2020-06-22. Review status: criteria provided, single submitter. Criteria: Ambry Variant Classification Scheme 2023. Collection method: clinical testing. Allele origin: germline.
Comment: The p.R3384K variant (also known as c.10151G>A), located in coding exon 41 of the AKAP9 gene, results from a G to A substitution at nucleotide position 10151. The arginine at codon 3384 is replaced by lysine, an amino acid with highly similar properties. This amino acid position is well conserved in available vertebrate species; however, lysine is the reference amino acid in other vertebrate species. In addition, this alteration is predicted to be tolerated by in silico analysis. Since supporting evidence is limited at this time, the clinical significance of this alteration remains unclear.